The following is an entry in ClinVar:

NM_201525.4(ADGRG1):c.367C>T (p.Gln123Ter)

Gene: ADGRG1 (adhesion G protein-coupled receptor G1; plus strand). Cytogenetic location: 16q21.
Variant type: single nucleotide variant.
Coding change: c.367C>T on transcript NM_201525.4 (MANE Select); coding-DNA position 367, C replaced by T.
Protein change: p.Gln123Ter; replaces glutamine 123 with a stop codon.
Molecular consequence: nonsense. On other transcripts: 5 prime UTR variant (5), intron variant (1).
Genome position (GRCh38, 1-based): chr16:57,651,502, C>T. VCF-style: chr16-57651502-C-T. GRCh37 (hg19) VCF-style: chr16-57685414-C-T.
Other names: NM_201525.4(ADGRG1):c.367C>T; p.Gln123Ter; c.367C>T, p.Gln123Ter (NM_001145770.3, NM_001145771.3, NM_001145772.3 and 16 more transcripts); c.382C>T, p.Gln128Ter (NM_001145773.3, NM_001370433.1); c.-159C>T (NM_001290143.2, NM_001290144.2, NM_001370451.1 and 2 more transcripts); c.211C>T, p.Gln71Ter (NM_001370442.1); c.110+257C>T (NM_001290142.2); c.367C>T (NM_005682.6); short protein forms Q123*, Q71*, Q128*.
Identifiers: ClinVar variation 381530 (VCV000381530.11), dbSNP rs1047016803, ClinGen allele CA16607322.

ClinVar aggregate classification (germline): Pathogenic/Likely pathogenic. Review status: criteria provided, multiple submitters, no conflicts (2 of 4 stars). 4 submissions from 4 submitters: Pathogenic (3); Likely pathogenic (1). Last evaluated 2024-11-27.

Conditions:
Bilateral frontoparietal polymicrogyria. Also called: CORTICAL DYSPLASIA, COMPLEX, WITH OTHER BRAIN MALFORMATIONS 14A (BILATERAL FRONTOPARIETAL); CEREBELLAR ATAXIA WITH NEURONAL MIGRATION DEFECT. Identifiers: Orphanet 101070, MedGen C1847352, MONDO:0011738, OMIM 606854.

Allele frequency attached by ClinVar (database versions not stated): TOPMed below 0.00001; gnomAD 0.00001; gnomAD exomes 0.00002.

Submissions (4):

GeneDx
Classification: Pathogenic. Last evaluated: 2024-11-27. Review status: criteria provided, single submitter. Criteria: GeneDx Variant Classification Process June 2021. Collection method: clinical testing. Allele origin: germline. Affected: yes.
Comment: Nonsense variant predicted to result in protein truncation or nonsense mediated decay in a gene for which loss of function is a known mechanism of disease; Not observed at significant frequency in large population cohorts (gnomAD); This variant is associated with the following publications: (PMID: 23001883, 20929962, 37486637)

Natera, Inc.
Classification: Pathogenic for Bilateral frontoparietal polymicrogyria. Last evaluated: 2024-08-20. Review status: criteria provided, single submitter. Criteria: Natera Variant Classification Schema (03/2026). Collection method: clinical testing. Allele origin: germline.
Comment: The c.367C>T variant in ADGRG1 is a nonsense variant predicted to introduce a stop codon at amino acid 123. This variant is expected to result in nonsense mediated decay, truncation, or a dysfunctional protein product. This variant is rare in the general population with a frequency below the threshold expected for the associated phenotype(s). This variant has been observed in one or more individuals affected with the associated recessive disease, as either homozygous or compound heterozygous with a second variant (PMID: 20929962). Given the available evidence, this variant is classified as Pathogenic.

Labcorp Genetics (formerly Invitae), Labcorp
Classification: Pathogenic. Last evaluated: 2023-06-04. Review status: criteria provided, single submitter. Criteria: Invitae Variant Classification Sherloc (09022015). Collection method: clinical testing. Allele origin: germline.
Comment: For these reasons, this variant has been classified as Pathogenic. ClinVar contains an entry for this variant (Variation ID: 381530). This premature translational stop signal has been observed in individual(s) with bilateral frontoparietal polymicrogyria (PMID: 20929962). This variant is not present in population databases (gnomAD no frequency). This sequence change creates a premature translational stop signal (p.Gln123*) in the ADGRG1 gene. It is expected to result in an absent or disrupted protein product. Loss-of-function variants in ADGRG1 are known to be pathogenic (PMID: 15044805, 20929962).

Broad Center for Mendelian Genomics, Broad Institute of MIT and Harvard
Classification: Likely pathogenic for Bilateral frontoparietal polymicrogyria. Last evaluated: 2023-01-25. Review status: criteria provided, single submitter. Criteria: ACMG Guidelines, 2015. Collection method: curation. Allele origin: germline. Inheritance: Autosomal recessive inheritance.
Comment: The p.Gln123Ter variant in ADGRG1 has been previously reported in one individual with bilateral frontoparietal polymicrogyria (PMID: 20929962). This variant has also been reported in ClinVar (Variation ID: 381530) and has been interpreted as pathogenic by GeneDx, Invitae, and Natera, Inc. Data from large population studies is insufficient to assess the frequency of this variant. This nonsense variant leads to a premature termination codon at position 123, which is predicted to lead to a truncated or absent protein. Loss of function of the ADGRG1 gene is strongly associated to autosomal recessive bilateral frontoparietal polymicrogyria. In summary, although additional studies are required to fully establish its clinical significance, this variant is likely pathogenic for autosomal recessive bilateral frontoparietal polymicrogyria. ACMG/AMP Criteria applied: PVS1_Strong, PM3 (Richards 2015).

Literature cited by the submitters: PubMed 20929962 (cited by Natera, Inc. and Labcorp Genetics (formerly Invitae), Labcorp); PubMed 15044805 (cited by Labcorp Genetics (formerly Invitae), Labcorp).